The following is an entry in ClinVar:

NM_006073.4(TRDN):c.763A>G (p.Lys255Glu)

Gene: TRDN (triadin; minus strand). Cytogenetic location: 6q22.31.
Variant type: single nucleotide variant.
Coding change: c.763A>G on transcript NM_006073.4 (MANE Select); coding-DNA position 763, A replaced by G.
Protein change: p.Lys255Glu; replaces lysine 255 with glutamic acid.
Molecular consequence: missense variant.
Genome position (GRCh38, 1-based): chr6:123,503,749, T>C on the plus strand (A>G on the coding strand, the complement: TRDN is on the minus strand). VCF-style: chr6-123503749-T-C. GRCh37 (hg19) VCF-style: chr6-123824894-T-C.
Other names: c.763A>G, p.Lys255Glu (NM_001251987.2, NM_001256020.2, NM_001256021.2 and 1 more transcripts); short protein forms K255E.
Identifiers: ClinVar variation 3225251 (VCV003225251.1), dbSNP rs2534299462, ClinGen allele CA365567598.

ClinVar aggregate classification (germline): Uncertain significance (1 of 4 stars; one submission).

Conditions:
Cardiovascular phenotype. Identifiers: MedGen CN230736.

Submission:

Ambry Genetics
Classification: Uncertain significance for Cardiovascular phenotype. Last evaluated: 2023-09-19. Review status: criteria provided, single submitter. Criteria: Ambry Variant Classification Scheme 2023. Collection method: clinical testing. Allele origin: germline.
Comment: The p.K255E variant (also known as c.763A>G), located in coding exon 8 of the TRDN gene, results from an A to G substitution at nucleotide position 763. The lysine at codon 255 is replaced by glutamic acid, an amino acid with similar properties. This amino acid position is poorly conserved in available vertebrate species. In addition, this alteration is predicted to be tolerated by in silico analysis. Since supporting evidence is limited at this time, the clinical significance of this alteration remains unclear.